The following is an entry in ClinVar:

ClinVar aggregate classification (germline): Uncertain significance (1 of 4 stars; one submission).

gnomAD v4.1: 6 of 1,613,900 alleles (0.00037%); highest among the groups gnomAD compares: South Asian, 0.0011%; no homozygotes.

Submission:

Labcorp Genetics (formerly Invitae), Labcorp
Classification: Uncertain significance. Last evaluated: 2024-03-27. Review status: criteria provided, single submitter. Criteria: Invitae Variant Classification Sherloc (09022015). Collection method: clinical testing. Allele origin: germline.
Comment: This sequence change replaces arginine, which is basic and polar, with proline, which is neutral and non-polar, at codon 736 of the FAT2 protein (p.Arg736Pro). This variant is present in population databases (rs148707799, gnomAD 0.0009%). This variant has not been reported in the literature in individuals affected with FAT2-related conditions. Advanced modeling of protein sequence and biophysical properties (such as structural, functional, and spatial information, amino acid conservation, physicochemical variation, residue mobility, and thermodynamic stability) performed at Invitae indicates that this missense variant is not expected to disrupt FAT2 protein function with a negative predictive value of 80%. In summary, the available evidence is currently insufficient to determine the role of this variant in disease. Therefore, it has been classified as a Variant of Uncertain Significance.

NM_001447.3(FAT2):c.2207G>C (p.Arg736Pro)

Gene: FAT2 (FAT atypical cadherin 2; minus strand). Cytogenetic location: 5q33.1.
Variant type: single nucleotide variant.
Coding change: c.2207G>C on transcript NM_001447.3 (MANE Select); coding-DNA position 2207, G replaced by C.
Protein change: p.Arg736Pro; replaces arginine 736 with proline.
Molecular consequence: missense variant.
Genome position (GRCh38, 1-based): chr5:151,566,725, C>G on the plus strand (G>C on the coding strand, the complement: FAT2 is on the minus strand). VCF-style: chr5-151566725-C-G. GRCh37 (hg19) VCF-style: chr5-150946286-C-G.
Other names: short protein forms R736P.
Identifiers: ClinVar variation 2856381 (VCV002856381.3), dbSNP rs148707799, ClinGen allele CA3522116.